The following is an entry in ClinVar:

NM_001367624.2(ZNF469):c.8973C>T (p.His2991=)

Gene: ZNF469 (zinc finger protein 469; plus strand). Cytogenetic location: 16q24.2.
Variant type: single nucleotide variant.
Coding change: c.8973C>T on transcript NM_001367624.2 (MANE Select); coding-DNA position 8973, C replaced by T.
Protein change: p.His2991=; no amino-acid change (histidine 2991 retained).
Molecular consequence: synonymous variant.
Genome position (GRCh38, 1-based): chr16:88,436,443, C>T. VCF-style: chr16-88436443-C-T. GRCh37 (hg19) VCF-style: chr16-88502851-C-T.
Other names: NM_001127464.1:c.8889C>T; NM_001127464.2:c.8889C>T.
Identifiers: ClinVar variation 2564205 (VCV002564205.6), dbSNP rs1263148651, ClinGen allele CA497358008.
Genomic context (GRCh38, chr16:88,436,443, plus strand): 5'-AGAGAAGCTGCCCTCCCACTGCCCCGAGGACGATCGGCCGGAGGCCATTCCTGAGCTGCA[C>T]ATGGTCCCAGCGGCTTGGCGAGGCCTGGAGATGCCGGCCCCTGCCGATGACTCCTCCTCT-3'
Protein context (NP_001354553.1, residues 2981-3001): DDRPEAIPEL[His2991=]MVPAAWRGLE

ClinVar aggregate classification (germline): Likely benign. Review status: criteria provided, multiple submitters, no conflicts (2 of 4 stars). 3 submissions from 3 submitters: Likely benign (2). 1 of the submissions does not count toward it. Last evaluated 2024-02-06.

Conditions:
ZNF469-related disorder. Also called: ZNF469-related condition.
Cardiovascular phenotype. Identifiers: MedGen CN230736.

Allele frequency attached by ClinVar (database versions not stated): gnomAD 0.00001; TOPMed 0.00001.
gnomAD v4.1: 31 of 1,548,282 alleles (0.002%); highest among the groups gnomAD compares: Non-Finnish European, 0.0027%; no homozygotes.

Submissions (3):

Labcorp Genetics (formerly Invitae), Labcorp
Classification: Likely benign. Last evaluated: 2024-02-06. Review status: criteria provided, single submitter. Criteria: Invitae Variant Classification Sherloc (09022015). Collection method: clinical testing. Allele origin: germline.

Ambry Genetics
Classification: Likely benign for Cardiovascular phenotype. Last evaluated: 2023-03-24. Review status: criteria provided, single submitter. Criteria: Ambry Variant Classification Scheme 2023. Collection method: clinical testing. Allele origin: germline.

PreventionGenetics, part of Exact Sciences
Classification: Likely benign for ZNF469-related condition. Last evaluated: 2024-06-07. Review status: no assertion criteria provided. Collection method: clinical testing. Allele origin: germline. Not counted in ClinVar's aggregate classification.
Comment: This variant is classified as likely benign based on ACMG/AMP sequence variant interpretation guidelines (Richards et al. 2015 PMID: 25741868, with internal and published modifications).